The following is an entry in ClinVar:

NM_182961.4(SYNE1):c.21911A>G (p.His7304Arg)

Gene: SYNE1 (spectrin repeat containing nuclear envelope protein 1; minus strand). Cytogenetic location: 6q25.2.
Variant type: single nucleotide variant.
Coding change: c.21911A>G on transcript NM_182961.4 (MANE Select); coding-DNA position 21911, A replaced by G.
Protein change: p.His7304Arg; replaces histidine 7304 with arginine.
Molecular consequence: missense variant.
Genome position (GRCh38, 1-based): chr6:152,219,136, T>C on the plus strand (A>G on the coding strand, the complement: SYNE1 is on the minus strand). VCF-style: chr6-152219136-T-C. GRCh37 (hg19) VCF-style: chr6-152540271-T-C.
Other names: c.21698A>G, p.His7233Arg (NM_033071.5); short protein forms H7233R, H7304R.
Identifiers: ClinVar variation 1497150 (VCV001497150.4), dbSNP rs557878312, ClinGen allele CA150181064.
Genomic context (GRCh38, chr6:152,219,136, plus strand): 5'-GATTGAATAGCTGATGCTGCGGAAGCATCCACTTGTTGCTTCAGTTGCTCTCCCAGCTCA[T>C]GGAGAAAAAAGAGGGAATCTTTAACTGTGCCCAGTCCTTTGAGGAGGTCCTAGAAGAGGT-3'
Protein context (NP_892006.3, residues 7294-7314): GTVKDSLFFL[His7304Arg]ELGEQLKQQV

ClinVar aggregate classification (germline): Uncertain significance (1 of 4 stars; one submission).

Conditions:
Autosomal recessive ataxia, Beauce type. Also called: SYNE1-Related Autosomal Recessive Cerebellar Ataxia; Spinocerebellar ataxia, autosomal recessive 8; ATAXIA, RECESSIVE, OF BEAUCE; SYNE1 Deficiency. Identifiers: Orphanet 88644, MedGen C1853116, MONDO:0012549, OMIM 610743.
Emery-Dreifuss muscular dystrophy 4, autosomal dominant (EDMD4). Also called: EMERY-DREIFUSS MUSCULAR DYSTROPHY 4 WITH VARIABLE FEATURES. Identifiers: Orphanet 261, MedGen C2751807, MONDO:0013071, OMIM 612998.

Allele frequency attached by ClinVar (database versions not stated): gnomAD exomes below 0.00001.
gnomAD v4.1: 1 of 1,614,090 alleles (0.000062%); highest among the groups gnomAD compares: Admixed American, 0.0017%; no homozygotes.

Submission:

Labcorp Genetics (formerly Invitae), Labcorp
Classification: Uncertain significance for Emery-Dreifuss muscular dystrophy 4, autosomal dominant; Autosomal recessive ataxia, Beauce type. Last evaluated: 2025-02-10. Review status: criteria provided, single submitter. Criteria: Invitae Variant Classification Sherloc (09022015). Collection method: clinical testing. Allele origin: germline.
Comment: This sequence change replaces histidine, which is basic and polar, with arginine, which is basic and polar, at codon 7233 of the SYNE1 protein (p.His7233Arg). This variant is not present in population databases (gnomAD no frequency). This variant has not been reported in the literature in individuals affected with SYNE1-related conditions. ClinVar contains an entry for this variant (Variation ID: 1497150). An algorithm developed to predict the effect of missense changes on protein structure and function outputs the following: PolyPhen-2: "Benign". The arginine amino acid residue is found in multiple mammalian species, which suggests that this missense change does not adversely affect protein function. In summary, the available evidence is currently insufficient to determine the role of this variant in disease. Therefore, it has been classified as a Variant of Uncertain Significance.